The following is an entry in ClinVar:

NM_005391.5(PDK3):c.1079C>T (p.Ala360Val)

Gene: PDK3 (pyruvate dehydrogenase kinase 3; plus strand). Cytogenetic location: Xp22.11.
Variant type: single nucleotide variant.
Coding change: c.1079C>T on transcript NM_005391.5 (MANE Select); coding-DNA position 1079, C replaced by T.
Protein change: p.Ala360Val; replaces alanine 360 with valine.
Molecular consequence: missense variant.
Genome position (GRCh38, 1-based): chrX:24,533,930, C>T. VCF-style: chrX-24533930-C-T. GRCh37 (hg19) VCF-style: chrX-24552047-C-T.
Other names: c.1079C>T, p.Ala360Val (NM_001142386.3); short protein forms A360V.
Identifiers: ClinVar variation 618266 (VCV000618266.17), dbSNP rs1569228203, ClinGen allele CA412603604.
Genomic context (GRCh38, chrX:24,533,930, plus strand): 5'-TTTCACTTGAGAAAAATGACACTGTCGACCTTTGGTGTATATTTTTGTTTCTCCAATAGG[C>T]TCTTTCAAGTGAGTCATTTGAGAGACTTCCAGTTTTTAATAAGTCCGCATGGCGCCATTA-3'
Protein context (NP_005382.1, residues 350-370): VGTDAVIYLK[Ala360Val]LSSESFERLP

ClinVar aggregate classification (germline): Uncertain significance. Review status: criteria provided, multiple submitters, no conflicts (2 of 4 stars). 4 submissions from 4 submitters: Uncertain significance (4). Last evaluated 2025-05-05.

Conditions:
Charcot-Marie-Tooth disease X-linked dominant 6. Also called: CHARCOT-MARIE-TOOTH NEUROPATHY, X-LINKED DOMINANT, 6. Identifiers: Orphanet 352675, MedGen C3806702, MONDO:0010479, OMIM 300905.

Allele frequency attached by ClinVar (database versions not stated): gnomAD exomes 0.00001.
gnomAD v4.1: 7 of 1,195,519 alleles (0.00059%); highest among the groups gnomAD compares: Non-Finnish European, 0.00068%; no homozygotes.

Submissions (4):

Women's Health and Genetics/Laboratory Corporation of America, LabCorp
Classification: Uncertain significance. Last evaluated: 2025-05-05. Review status: criteria provided, single submitter. Criteria: LabCorp Variant Classification Summary - May 2015. Collection method: clinical testing. Allele origin: germline.
Comment: Variant summary: PDK3 c.1079C>T (p.Ala360Val) results in a non-conservative amino acid change in the encoded protein sequence. Algorithms developed to predict the effect of missense changes on protein structure and function are either unavailable or do not agree on the potential impact of this missense change. This variant is located at the second nucleotide of the last exon, therefore it might affect splicing: consensus agreement among computation tools predict no significant impact on normal splicing. However, these predictions have yet to be confirmed by functional studies. The variant allele was found at a frequency of 5.9e-06 in 1190572 control chromosomes (gnomAD v4), including 2 hemizygotes. The available data on variant occurrences in the general population are insufficient to allow any conclusion about variant significance. To our knowledge, no occurrence of c.1079C>T in individuals affected with Charcot-Marie-Tooth disease X-linked dominant 6 and no experimental evidence demonstrating its impact on protein function have been reported. ClinVar contains an entry for this variant (Variation ID: 618266). Based on the evidence outlined above, the variant was classified as uncertain significance.

GeneDx
Classification: Uncertain significance. Last evaluated: 2023-01-04. Review status: criteria provided, single submitter. Criteria: GeneDx Variant Classification Process June 2021. Collection method: clinical testing. Allele origin: germline. Affected: yes.
Comment: Not observed at significant frequency in large population cohorts (gnomAD); In silico analysis supports that this missense variant has a deleterious effect on protein structure/function; Has not been previously published as pathogenic or benign to our knowledge

Labcorp Genetics (formerly Invitae), Labcorp
Classification: Uncertain significance for Charcot-Marie-Tooth disease X-linked dominant 6. Last evaluated: 2021-02-02. Review status: criteria provided, single submitter. Criteria: Invitae Variant Classification Sherloc (09022015). Collection method: clinical testing. Allele origin: germline.
Comment: Algorithms developed to predict the effect of missense changes on protein structure and function (SIFT, PolyPhen-2, Align-GVGD) all suggest that this variant is likely to be tolerated, but these predictions have not been confirmed by published functional studies and their clinical significance is uncertain. In summary, the available evidence is currently insufficient to determine the role of this variant in disease. Therefore, it has been classified as a Variant of Uncertain Significance. This variant has not been reported in the literature in individuals with PDK3-related conditions. ClinVar contains an entry for this variant (Variation ID: 618266). This variant is not present in population databases (ExAC no frequency). This sequence change replaces alanine with valine at codon 360 of the PDK3 protein (p.Ala360Val). The alanine residue is highly conserved and there is a small physicochemical difference between alanine and valine.

ARUP Laboratories, Molecular Genetics and Genomics, ARUP Laboratories
Classification: Uncertain significance. Last evaluated: 2017-10-13. Review status: criteria provided, single submitter. Criteria: ARUP Molecular Germline Variant Investigation Process. Collection method: clinical testing. Allele origin: germline.
Comment: The p.Ala360Val variant has not been reported in the medical literature, gene specific variation databases, nor has it been previously identified by our laboratory. It is absent from general population databases such as 1000 Genomes, NHLBI GO Exome Sequencing Project (ESP), and the Genome Aggregation Database (gnomAD). The alanine at position 360 is highly conserved (Alamut v2.10) and computational analyses of the effects of the p.Ala360Val variant on protein structure and function provide conflicting results (SIFT: tolerated, MutationTaster: disease causing, PolyPhen-2: benign). Altogether, there is not enough evidence to classify the p.Ala360Val variant with certainty.